The following is an entry in ClinVar:

ClinVar aggregate classification (germline): Benign. Review status: criteria provided, multiple submitters, no conflicts (2 of 4 stars). 4 submissions from 4 submitters: Benign (4). Last evaluated 2024-07-31.

Conditions:
Epilepsy, familial focal, with variable foci 3 (FFEVF3). Identifiers: MedGen C4310708, MONDO:0014925, OMIM 617118.

Allele frequency attached by ClinVar (database versions not stated): 1000 Genomes Project 0.81849; gnomAD 0.82761 and 0.82787.
gnomAD v4.1: 1,324,470 of 1,550,148 alleles (85%); highest among the groups gnomAD compares: Admixed American, 88%; 567,642 homozygotes.

Submissions (4):

Unidad de Genómica Garrahan, Hospital de Pediatría Garrahan
Classification: Benign. Last evaluated: 2024-07-31. Review status: criteria provided, single submitter. Criteria: ACMG Guidelines, 2015. Collection method: clinical testing. Allele origin: germline. Affected: no. Observed: 91 variant alleles.
Comment: This variant is classified as Benign based on local population frequency. This variant was detected in 98% of patients studied in a panel designed for Epileptic and Developmental Encephalopathy, Progressive Myoclonus Epilepsy and Abnormal Movements and Neurodegeneration with brain iron accumulation. Number of patients: 91. Only high quality variants are reported.

Genome-Nilou Lab
Classification: Benign for Epilepsy, familial focal, with variable foci 3. Last evaluated: 2021-07-14. Review status: criteria provided, single submitter. Criteria: ACMG Guidelines, 2015. Collection method: clinical testing. Allele origin: germline. Affected: no.

GeneDx
Classification: Benign. Last evaluated: 2018-07-15. Review status: criteria provided, single submitter. Criteria: GeneDx Variant Classification Process June 2021. Collection method: clinical testing. Allele origin: germline. Affected: yes.

Breakthrough Genomics
Classification: Benign. Review status: criteria provided, single submitter. Criteria: ACMG Guidelines, 2015. Collection method: not provided. Allele origin: germline. Inheritance: Autosomal dominant inheritance. Affected: yes.

NM_001077350.3(NPRL3):c.768-53C>T

Genes: HBA-LCR (alpha-globin locus control region; plus strand), NPRL3 (NPR3 like, GATOR1 complex subunit; minus strand). Cytogenetic location: 16p13.3.
Variant type: single nucleotide variant.
Coding change: c.768-53C>T on transcript NM_001077350.3 (MANE Select); 53 bases into the intron before coding-DNA position 768, C replaced by T.
Molecular consequence: intron variant.
Genome position (GRCh38, 1-based): chr16:98,354, G>A on the plus strand (C>T on the coding strand, the complement: NPRL3 is on the minus strand). VCF-style: chr16-98354-G-A. GRCh37 (hg19) VCF-style: chr16-148352-G-A.
Other names: c.534-53C>T (NM_001243247.2); c.693-53C>T (NM_001243248.2, NM_001243249.2); c.231-53C>T (NM_001039476.3).
Identifiers: ClinVar variation 1185372 (VCV001185372.8), dbSNP rs2541616, ClinGen allele CA14235437.